The following is an entry in ClinVar:

NM_001267550.2(TTN):c.42687C>T (p.Ala14229=)

Gene: TTN (titin; minus strand). Cytogenetic location: 2q31.2.
Variant type: single nucleotide variant.
Coding change: c.42687C>T on transcript NM_001267550.2 (MANE Select); coding-DNA position 42687, C replaced by T.
Protein change: p.Ala14229=; no amino-acid change (alanine 14229 retained).
Molecular consequence: synonymous variant.
Genome position (GRCh38, 1-based): chr2:178,633,672, G>A on the plus strand (C>T on the coding strand, the complement: TTN is on the minus strand). VCF-style: chr2-178633672-G-A. GRCh37 (hg19) VCF-style: chr2-179498399-G-A.
Other names: c.37764C>T, p.Ala12588= (NM_001256850.1); c.15492C>T, p.Ala5164= (NM_003319.4); c.34983C>T, p.Ala11661= (NM_133378.4); c.15867C>T, p.Ala5289= (NM_133432.3); c.16068C>T, p.Ala5356= (NM_133437.4).
Identifiers: ClinVar variation 379213 (VCV000379213.59), dbSNP rs775889693, ClinGen allele CA1996024.

ClinVar aggregate classification (germline): Conflicting classifications of pathogenicity. Review status: criteria provided, conflicting classifications (1 of 4 stars). 6 submissions from 6 submitters: Uncertain significance (2); Benign (1); Likely benign (2). 1 of the submissions does not count toward it. Last evaluated 2026-02-01.

Conditions:
TTN-related disorder. Also called: TTN-related condition; TTN-related disease; TTN-related disorders.
Dilated cardiomyopathy 1G (CMD1G). Identifiers: Orphanet 154, MedGen C1858763, MONDO:0011400, OMIM 604145.
Autosomal recessive limb-girdle muscular dystrophy type 2J (LGMDR10). Also called: MUSCULAR DYSTROPHY, LIMB-GIRDLE, AUTOSOMAL RECESSIVE 10; Limb-girdle muscular dystrophy, type 2J. Identifiers: Orphanet 140922, MedGen C1837342, MONDO:0012127, OMIM 608807.
Cardiovascular phenotype. Identifiers: MedGen CN230736.

Allele frequency attached by ClinVar (database versions not stated): gnomAD 0.00002; gnomAD exomes 0.00002 and 0.00004; TOPMed 0.00002; ExAC 0.00004.
gnomAD v4.1: 32 of 1,612,156 alleles (0.002%); highest among the groups gnomAD compares: Admixed American, 0.02%; no homozygotes.

Submissions (6):

Labcorp Genetics (formerly Invitae), Labcorp
Classification: Likely benign for Dilated cardiomyopathy 1G; Autosomal recessive limb-girdle muscular dystrophy type 2J. Last evaluated: 2026-02-01. Review status: criteria provided, single submitter. Criteria: Invitae Variant Classification Sherloc (09022015). Collection method: clinical testing. Allele origin: germline.

Ambry Genetics
Classification: Likely benign for Cardiovascular phenotype. Last evaluated: 2021-01-07. Review status: criteria provided, single submitter. Criteria: Ambry Variant Classification Scheme 2023. Collection method: clinical testing. Allele origin: germline.

Eurofins Ntd Llc (ga)
Classification: Uncertain significance. Last evaluated: 2018-08-10. Review status: criteria provided, single submitter. Criteria: EGL ClinVar v180209 classification definitions. Collection method: clinical testing. Allele origin: germline. Observed: 4 variant alleles, 4 heterozygotes.

CeGaT Center for Human Genetics Tuebingen
Classification: Uncertain significance. Last evaluated: 2017-11-01. Review status: criteria provided, single submitter. Criteria: CeGaT Center For Human Genetics Tuebingen Variant Classification Criteria Version 2. Collection method: clinical testing. Allele origin: germline. Affected: yes. Observed: 1 variant allele.

GeneDx
Classification: Benign. Last evaluated: 2016-03-07. Review status: criteria provided, single submitter. Criteria: GeneDx Variant Classification (06012015). Collection method: clinical testing. Allele origin: germline. Affected: yes.
Comment: This variant is considered likely benign or benign based on one or more of the following criteria: it is a conservative change, it occurs at a poorly conserved position in the protein, it is predicted to be benign by multiple in silico algorithms, and/or has population frequency not consistent with disease.

PreventionGenetics, part of Exact Sciences
Classification: Likely benign for TTN-related condition. Last evaluated: 2020-07-28. Review status: no assertion criteria provided. Collection method: clinical testing. Allele origin: germline. Not counted in ClinVar's aggregate classification.
Comment: This variant is classified as likely benign based on ACMG/AMP sequence variant interpretation guidelines (Richards et al. 2015 PMID: 25741868, with internal and published modifications).